The following is an entry in ClinVar:

NM_007194.4(CHEK2):c.860A>T (p.Lys287Met)

Gene: CHEK2 (checkpoint kinase 2; minus strand). Cytogenetic location: 22q12.1.
Variant type: single nucleotide variant.
Coding change: c.860A>T on transcript NM_007194.4 (MANE Select); coding-DNA position 860, A replaced by T.
Protein change: p.Lys287Met; replaces lysine 287 with methionine.
Molecular consequence: missense variant.
Genome position (GRCh38, 1-based): chr22:28,703,553, T>A on the plus strand (A>T on the coding strand, the complement: CHEK2 is on the minus strand). VCF-style: chr22-28703553-T-A. GRCh37 (hg19) VCF-style: chr22-29099541-T-A.
Other names: c.989A>T, p.Lys330Met (NM_001005735.3); c.197A>T, p.Lys66Met (NM_001257387.3); c.659A>T, p.Lys220Met (NM_001349956.3); c.860A>T, p.Lys287Met (NM_145862.3); short protein forms K287M, K330M, K220M, K66M.
Identifiers: ClinVar variation 231478 (VCV000231478.24), dbSNP rs876659184, ClinGen allele CA10581071.

ClinVar aggregate classification (germline): Uncertain significance. Review status: criteria provided, multiple submitters, no conflicts (2 of 4 stars). 6 submissions from 6 submitters: Uncertain significance (5). 1 of the submissions does not count toward it. Last evaluated 2025-12-10.

Conditions:
Familial cancer of breast. Also called: BREAST CANCER, FAMILIAL; hereditary breast carcinoma; Hereditary breast cancer. Identifiers: Orphanet 227535, MedGen C0346153, MONDO:0016419, OMIM 114480. Disease mechanism: loss of function.
Hereditary cancer-predisposing syndrome. Also called: Neoplastic Syndromes, Hereditary; Tumor predisposition; Hereditary Cancer Syndrome; Hereditary neoplastic syndrome. Identifiers: Orphanet 140162, MedGen C0027672, MeSH D009386, MONDO:0015356.

Allele frequency attached by ClinVar (database versions not stated): gnomAD exomes 0.00001.
gnomAD v4.1: 20 of 1,560,942 alleles (0.0013%); highest among the groups gnomAD compares: Non-Finnish European, 0.0018%; no homozygotes.

Submissions (6):

Labcorp Genetics (formerly Invitae), Labcorp
Classification: Uncertain significance for Familial cancer of breast. Last evaluated: 2025-12-10. Review status: criteria provided, single submitter. Criteria: Invitae Variant Classification Sherloc (09022015). Collection method: clinical testing. Allele origin: germline.
Comment: This sequence change replaces lysine, which is basic and polar, with methionine, which is neutral and non-polar, at codon 287 of the CHEK2 protein (p.Lys287Met). This variant is not present in population databases (gnomAD no frequency). This variant has not been reported in the literature in individuals affected with CHEK2-related conditions. ClinVar contains an entry for this variant (Variation ID: 231478). An algorithm developed to predict the effect of missense changes on protein structure and function (PolyPhen-2) suggests that this variant is likely to be disruptive. In summary, the available evidence is currently insufficient to determine the role of this variant in disease. Therefore, it has been classified as a Variant of Uncertain Significance.

Ambry Genetics
Classification: Uncertain significance for Hereditary cancer-predisposing syndrome. Last evaluated: 2025-03-21. Review status: criteria provided, single submitter. Criteria: Ambry Variant Classification Scheme 2023. Collection method: clinical testing. Allele origin: germline.
Comment: The p.K287M variant (also known as c.860A>T), located in coding exon 7 of the CHEK2 gene, results from an A to T substitution at nucleotide position 860. The lysine at codon 287 is replaced by methionine, an amino acid with similar properties. This amino acid position is highly conserved in available vertebrate species. In silico splice site analysis predicts that this alteration may weaken the native splice acceptor site. In addition, the in silico prediction for this alteration is inconclusive. Based on the available evidence, the clinical significance of this variant remains unclear.

Color Diagnostics, LLC DBA Color Health
Classification: Uncertain significance for Hereditary cancer-predisposing syndrome. Last evaluated: 2023-12-05. Review status: criteria provided, single submitter. Criteria: ACMG Guidelines, 2015. Collection method: clinical testing. Allele origin: germline.
Comment: This missense variant replaces lysine with methionine at codon 287 of the CHEK2 protein. Computational prediction suggests that this variant may not impact protein structure and function (internally defined REVEL score threshold <= 0.5, PMID: 27666373). To our knowledge, functional studies have not been reported for this variant. This variant has not been reported in individuals affected with CHEK2-related disorders in the literature. This variant has not been identified in the general population by the Genome Aggregation Database (gnomAD). The available evidence is insufficient to determine the role of this variant in disease conclusively. Therefore, this variant is classified as a Variant of Uncertain Significance.

Baylor Genetics
Classification: Uncertain significance for Familial cancer of breast. Last evaluated: 2023-07-20. Review status: criteria provided, single submitter. Criteria: ACMG Guidelines, 2015. Collection method: clinical testing. Allele origin: unknown.

GeneDx
Classification: Uncertain significance. Last evaluated: 2019-09-09. Review status: criteria provided, single submitter. Criteria: GeneDx Variant Classification Process June 2021. Collection method: clinical testing. Allele origin: germline. Affected: yes.
Comment: In silico analysis, which includes protein predictors and evolutionary conservation, supports a deleterious effect; Has not been previously published as pathogenic or benign to our knowledge; No data available from control populations to assess the frequency of this variant

True Health Diagnostics
Classification: Uncertain significance for Hereditary cancer-predisposing syndrome. Last evaluated: 2017-09-29. Review status: no assertion criteria provided. Collection method: clinical testing. Allele origin: germline. Not counted in ClinVar's aggregate classification.